The following is an entry in ClinVar:

ClinVar aggregate classification (germline): Uncertain significance. Review status: criteria provided, multiple submitters, no conflicts (2 of 4 stars). 2 submissions from 2 submitters: Uncertain significance (2). Last evaluated 2020-06-16.

Conditions:
Microphthalmia, syndromic 9. Also called: SPEAR SYNDROME; Matthew-Wood syndrome; ANOPHTHALMIA, CLINICAL, WITH MILD FACIAL DYSMORPHISM AND VARIABLE MALFORMATIONS OF THE LUNG, HEART, AND DIAPHRAGM; ANOPHTHALMIA/MICROPHTHALMIA AND PULMONARY HYPOPLASIA; PULMONARY AGENESIS, MICROPHTHALMIA, AND DIAPHRAGMATIC DEFECT. Identifiers: Orphanet 2470, MedGen C1832661, MONDO:0011010, OMIM 601186.

Allele frequency attached by ClinVar (database versions not stated): gnomAD 0.00008 and 0.00007; gnomAD exomes 0.00008 and 0.00002; ExAC 0.00003; TOPMed 0.00005.
gnomAD v4.1: 129 of 1,613,856 alleles (0.008%); highest among the groups gnomAD compares: Non-Finnish European, 0.01%; no homozygotes.

Submissions (2):

Labcorp Genetics (formerly Invitae), Labcorp
Classification: Uncertain significance for Microphthalmia, syndromic 9. Last evaluated: 2020-06-16. Review status: criteria provided, single submitter. Criteria: Invitae Variant Classification Sherloc (09022015). Collection method: clinical testing. Allele origin: germline.
Comment: This sequence change replaces phenylalanine with serine at codon 218 of the STRA6 protein (p.Phe218Ser). The phenylalanine residue is moderately conserved and there is a large physicochemical difference between phenylalanine and serine. This variant is present in population databases (rs764331156, ExAC 0.01%). This variant has been observed in individual(s) with lung hypoplasia (PMID: 30639323). ClinVar contains an entry for this variant (Variation ID: 452785). Algorithms developed to predict the effect of missense changes on protein structure and function (SIFT, PolyPhen-2, Align-GVGD) all suggest that this variant is likely to be disruptive, but these predictions have not been confirmed by published functional studies and their clinical significance is uncertain. In summary, the available evidence is currently insufficient to determine the role of this variant in disease. Therefore, it has been classified as a Variant of Uncertain Significance.

GeneDx
Classification: Uncertain significance. Last evaluated: 2017-10-11. Review status: criteria provided, single submitter. Criteria: GeneDx Variant Classification (06012015). Collection method: clinical testing. Allele origin: germline. Affected: yes.
Comment: The F218S variant in the STRA6 gene has not been reported previously as a pathogenic variant, nor as a benign variant, to our knowledge. The F218S variant is observed in 3/24016 (0.013%) alleles from individuals of African background, in the ExAC dataset (Lek et al., 2016). The F218S variant is a non-conservative amino acid substitution, which is likely to impact secondary protein structure as these residues differ in polarity, charge, size and/or other properties. This substitution occurs at a position where amino acids with similar properties to Phenylalanine are tolerated across species. In silico analysis predicts this variant is probably damaging to the protein structure/function. We interpret F218S as a variant of uncertain significance.

Literature cited by the submitters: PubMed 30639323 (cited by Labcorp Genetics (formerly Invitae), Labcorp).

NM_022369.4(STRA6):c.653T>C (p.Phe218Ser)

Gene: STRA6 (signaling receptor and transporter of retinol STRA6; minus strand). Cytogenetic location: 15q24.1.
Variant type: single nucleotide variant.
Coding change: c.653T>C on transcript NM_022369.4 (MANE Select); coding-DNA position 653, T replaced by C.
Protein change: p.Phe218Ser; replaces phenylalanine 218 with serine.
Molecular consequence: missense variant.
Genome position (GRCh38, 1-based): chr15:74,193,867, A>G on the plus strand (T>C on the coding strand, the complement: STRA6 is on the minus strand). VCF-style: chr15-74193867-A-G. GRCh37 (hg19) VCF-style: chr15-74486208-A-G.
Other names: c.653T>C, p.Phe218Ser (NM_001142617.2, NM_001142618.2); c.626T>C, p.Phe209Ser (NM_001142619.2); c.764T>C, p.Phe255Ser (NM_001199040.2); c.698T>C, p.Phe233Ser (NM_001199041.2); c.770T>C, p.Phe257Ser (NM_001199042.2); short protein forms F218S, F209S, F233S, F257S, F255S.
Identifiers: ClinVar variation 452785 (VCV000452785.9), dbSNP rs764331156, ClinGen allele CA7654908.